The following is an entry in ClinVar:

NM_005228.5(EGFR):c.2884C>G (p.Arg962Gly)

Gene: EGFR (epidermal growth factor receptor; plus strand). Cytogenetic location: 7p11.2.
Variant type: single nucleotide variant.
Coding change: c.2884C>G on transcript NM_005228.5 (MANE Select); coding-DNA position 2884, C replaced by G.
Protein change: p.Arg962Gly; replaces arginine 962 with glycine.
Molecular consequence: missense variant.
Genome position (GRCh38, 1-based): chr7:55,200,351, C>G. VCF-style: chr7-55200351-C-G. GRCh37 (hg19) VCF-style: chr7-55268044-C-G.
Other names: c.2749C>G, p.Arg917Gly (NM_001346897.2, NM_001346899.2); c.2884C>G, p.Arg962Gly (NM_001346898.2); c.2725C>G, p.Arg909Gly (NM_001346900.2); c.2083C>G, p.Arg695Gly (NM_001346941.2); short protein forms R909G, R695G, R917G, R962G.
Identifiers: ClinVar variation 956413 (VCV000956413.11), dbSNP rs17337451, ClinGen allele CA4266201.

ClinVar aggregate classification (germline): Uncertain significance. Review status: criteria provided, multiple submitters, no conflicts (2 of 4 stars). 2 submissions from 2 submitters: Uncertain significance (2). Last evaluated 2026-01-19.

Conditions:
Hereditary cancer-predisposing syndrome. Also called: Hereditary neoplastic syndrome; Tumor predisposition; Neoplastic Syndromes, Hereditary; Hereditary Cancer Syndrome. Identifiers: Orphanet 140162, MedGen C0027672, MeSH D009386, MONDO:0015356.
EGFR-related lung cancer (EGFR). Identifiers: MedGen CN130014.

Allele frequency attached by ClinVar (database versions not stated): TOPMed 0.00006.
gnomAD v4.1: 17 of 1,614,036 alleles (0.0011%); highest among the groups gnomAD compares: African/African-American, 0.021%; no homozygotes.

Submissions (2):

Labcorp Genetics (formerly Invitae), Labcorp
Classification: Uncertain significance for EGFR-related lung cancer. Last evaluated: 2026-01-19. Review status: criteria provided, single submitter. Criteria: Invitae Variant Classification Sherloc (09022015). Collection method: clinical testing. Allele origin: germline.
Comment: This sequence change replaces arginine, which is basic and polar, with glycine, which is neutral and non-polar, at codon 962 of the EGFR protein (p.Arg962Gly). This variant is present in population databases (rs17337451, gnomAD 0.04%). This variant has not been reported in the literature in individuals affected with EGFR-related conditions. ClinVar contains an entry for this variant (Variation ID: 956413). Invitae Evidence Modeling of protein sequence and biophysical properties (such as structural, functional, and spatial information, amino acid conservation, physicochemical variation, residue mobility, and thermodynamic stability) has been performed for this missense variant. However, the output from this modeling did not meet the statistical confidence thresholds required to predict the impact of this variant on EGFR protein function. Algorithms developed to predict the effect of sequence changes on RNA splicing suggest that this variant may create or strengthen a splice site. In summary, the available evidence is currently insufficient to determine the role of this variant in disease. Therefore, it has been classified as a Variant of Uncertain Significance.

Ambry Genetics
Classification: Uncertain significance for Hereditary cancer-predisposing syndrome. Last evaluated: 2025-11-24. Review status: criteria provided, single submitter. Criteria: Ambry Variant Classification Scheme 2023. Collection method: clinical testing. Allele origin: germline.
Comment: The p.R962G variant (also known as c.2884C>G), located in coding exon 24 of the EGFR gene, results from a C to G substitution at nucleotide position 2884. The arginine at codon 962 is replaced by glycine, an amino acid with dissimilar properties. This amino acid position is highly conserved in available vertebrate species. In addition, this alteration is predicted to be deleterious by in silico analysis. Based on data from gnomAD, the frequency for this variant is above the maximum credible frequency for a disease-causing variant in this gene based on internally established thresholds (Karczewski et al. Nature. 2020 May;581(7809):434-443; Whiffin et al. Genet Med. 2017 10;19:1151-1158). Based on the supporting evidence, the association of this alteration with an increased risk of EGFR-related neonatal inflammatory skin and bowel disease is unknown; however, the association of this alteration with an increased risk of EGFR-related lung cancer is unlikely.